The following is an entry in ClinVar:

NM_004655.4(AXIN2):c.375C>T (p.Thr125=)

Gene: AXIN2 (axin 2; minus strand). Cytogenetic location: 17q24.1.
Variant type: single nucleotide variant.
Coding change: c.375C>T on transcript NM_004655.4 (MANE Select); coding-DNA position 375, C replaced by T.
Protein change: p.Thr125=; no amino-acid change (threonine 125 retained).
Molecular consequence: synonymous variant.
Genome position (GRCh38, 1-based): chr17:65,558,246, G>A on the plus strand (C>T on the coding strand, the complement: AXIN2 is on the minus strand). VCF-style: chr17-65558246-G-A. GRCh37 (hg19) VCF-style: chr17-63554364-G-A.
Other names: c.375C>T, p.Thr125= (NM_001363813.1).
Identifiers: ClinVar variation 1734642 (VCV001734642.6), dbSNP rs1567769099, ClinGen allele CA501691867.
Genomic context (GRCh38, chr17:65,558,246, plus strand): 5'-GACAATGCTGTTGTTCTCAATGTACCTTTTGTAGATCGCTTTGGCTACTCGTAAAGTTTT[G>A]GTATCCTTCAGGTTCATCTGCCTGAATCCATTGCAGGCAAACCAGAAGTCTAAGGTATCC-3'
Protein context (NP_004646.3, residues 115-135): NGFRQMNLKD[Thr125=]KTLRVAKAIY

ClinVar aggregate classification (germline): Benign/Likely benign. Review status: criteria provided, multiple submitters, no conflicts (2 of 4 stars). 3 submissions from 3 submitters: Benign (1); Likely benign (2). Last evaluated 2024-06-26.

Conditions:
Hereditary cancer-predisposing syndrome. Also called: Neoplastic Syndromes, Hereditary; Tumor predisposition; Hereditary Cancer Syndrome; Hereditary neoplastic syndrome. Identifiers: Orphanet 140162, MedGen C0027672, MeSH D009386, MONDO:0015356.
Oligodontia-cancer predisposition syndrome. Also called: TOOTH AGENESIS-COLORECTAL CANCER SYNDROME. Identifiers: Orphanet 300576, MedGen C1837750, MONDO:0012075, OMIM 608615. Disease mechanism: loss of function.

Submissions (3):

Myriad Genetics, Inc.
Classification: Benign for Oligodontia-cancer predisposition syndrome. Last evaluated: 2024-06-26. Review status: criteria provided, single submitter. Criteria: Myriad Autosomal Dominant, Autosomal Recessive and X-Linked Classification Criteria (2023). Collection method: clinical testing. Allele origin: unknown.
Comment: This variant is considered benign. This variant is a silent/synonymous amino acid change and it is not expected to impact splicing.

Labcorp Genetics (formerly Invitae), Labcorp
Classification: Likely benign for Oligodontia-cancer predisposition syndrome. Last evaluated: 2024-03-26. Review status: criteria provided, single submitter. Criteria: Invitae Variant Classification Sherloc (09022015). Collection method: clinical testing. Allele origin: germline.

Ambry Genetics
Classification: Likely benign for Hereditary cancer-predisposing syndrome. Last evaluated: 2020-10-04. Review status: criteria provided, single submitter. Criteria: Ambry Variant Classification Scheme 2023. Collection method: clinical testing. Allele origin: germline.